The following is an entry in ClinVar:

NM_001184.4(ATR):c.3479A>G (p.Lys1160Arg)

Gene: ATR (ATR checkpoint kinase; minus strand). Cytogenetic location: 3q23.
Variant type: single nucleotide variant.
Coding change: c.3479A>G on transcript NM_001184.4 (MANE Select); coding-DNA position 3479, A replaced by G.
Protein change: p.Lys1160Arg; replaces lysine 1160 with arginine.
Molecular consequence: missense variant.
Genome position (GRCh38, 1-based): chr3:142,541,006, T>C on the plus strand (A>G on the coding strand, the complement: ATR is on the minus strand). VCF-style: chr3-142541006-T-C. GRCh37 (hg19) VCF-style: chr3-142259848-T-C.
Other names: c.3287A>G, p.Lys1096Arg (NM_001354579.2); short protein forms K1160R, K1096R.
Identifiers: ClinVar variation 1731811 (VCV001731811.3), dbSNP rs1231282916, ClinGen allele CA354807918.
Genomic context (GRCh38, chr3:142,541,006, plus strand): 5'-GTTCTCAGTGTGGTCATCATCTTCACCCTCACAGAACTGACATGTTTGGGTCCCATTAAC[T>C]TCATCAAAGACATCAAACTGTTCAAGGCCTATAGAGTTAAGTAGTGCTTCAGAGTAAAGC-3'
Protein context (NP_001175.2, residues 1150-1170): MALNSLMSLM[Lys1160Arg]LMGPKHVSSV

ClinVar aggregate classification (germline): Uncertain significance (1 of 4 stars; one submission).

Conditions:
Inborn genetic diseases. Identifiers: MedGen C0950123, MeSH D030342.

Allele frequency attached by ClinVar (database versions not stated): gnomAD exomes below 0.00001.
gnomAD v4.1: 6 of 1,613,686 alleles (0.00037%); highest among the groups gnomAD compares: Non-Finnish European, 0.00051%; no homozygotes.

Submission:

Ambry Genetics
Classification: Uncertain significance for Inborn genetic diseases. Last evaluated: 2024-09-06. Review status: criteria provided, single submitter. Criteria: Ambry Variant Classification Scheme 2023. Collection method: clinical testing. Allele origin: germline.
Comment: The p.K1160R variant (also known as c.3479A>G), located in coding exon 18 of the ATR gene, results from an A to G substitution at nucleotide position 3479. The lysine at codon 1160 is replaced by arginine, an amino acid with highly similar properties. This amino acid position is conserved. In addition, this alteration is predicted to be tolerated by in silico analysis. Since supporting evidence is limited at this time, the clinical significance of this alteration remains unclear.